The following is an entry in ClinVar:

NM_000343.4(SLC5A1):c.*902T>G

Gene: SLC5A1 (solute carrier family 5 member 1; plus strand). Cytogenetic location: 22q12.3.
Variant type: single nucleotide variant.
Coding change: c.*902T>G on transcript NM_000343.4 (MANE Select); 902 bases downstream of the stop codon, T replaced by G.
Molecular consequence: 3 prime UTR variant.
Genome position (GRCh38, 1-based): chr22:32,111,115, T>G. VCF-style: chr22-32111115-T-G. GRCh37 (hg19) VCF-style: chr22-32507102-T-G.
Other names: c.*902T>G (NM_001256314.2).
Identifiers: ClinVar variation 341280 (VCV000341280.6), dbSNP rs16989883, ClinGen allele CA10651109.

ClinVar aggregate classification (germline): Benign. Review status: criteria provided, multiple submitters, no conflicts (2 of 4 stars). 2 submissions from 2 submitters: Benign (2). Last evaluated 2018-01-13.

Conditions:
Congenital glucose-galactose malabsorption (GGM). Also called: MONOSACCHARIDE MALABSORPTION; DIARRHEA 16. Identifiers: Orphanet 35710, MedGen C0268186, MONDO:0011731, OMIM 606824.

Allele frequency attached by ClinVar (database versions not stated): 1000 Genomes Project 30x 0.01031; 1000 Genomes Project 0.01038; TOPMed 0.02619; gnomAD 0.02647.

Submissions (2):

Illumina Laboratory Services, Illumina
Classification: Benign for Congenital glucose-galactose malabsorption. Last evaluated: 2018-01-13. Review status: criteria provided, single submitter. Criteria: ICSL Variant Classification Criteria 13 December 2019. Collection method: clinical testing. Allele origin: germline.
Comment: This variant was observed in the ICSL laboratory as part of a predisposition screen in an ostensibly healthy population. It had not been previously curated by ICSL or reported in the Human Gene Mutation Database (HGMD: prior to June 1st, 2018), and was therefore a candidate for classification through an automated scoring system. Utilizing variant allele frequency, disease prevalence and penetrance estimates, and inheritance mode, an automated score was calculated to assess if this variant is too frequent to cause the disease. Based on the score and internal cut-off values, a variant classified as benign is not then subjected to further curation. The score for this variant resulted in a classification of benign for this disease.

Breakthrough Genomics
Classification: Benign. Review status: criteria provided, single submitter. Criteria: ACMG Guidelines, 2015. Collection method: not provided. Allele origin: germline. Inheritance: Autosomal recessive inheritance. Affected: yes.